The following is an entry in ClinVar:

ClinVar aggregate classification (germline): Uncertain significance (1 of 4 stars; one submission).

Conditions:
Developmental and epileptic encephalopathy, 11 (DEE11). Also called: Early infantile epileptic encephalopathy 11. Identifiers: Orphanet 1934, MedGen C3150987, MONDO:0013388, OMIM 613721.
Seizures, benign familial infantile, 3 (BFIS3). Also called: CONVULSIONS, BENIGN FAMILIAL INFANTILE, 3; Familial neonatal seizures. Identifiers: Orphanet 140927, Orphanet 306, MedGen C1843140, MONDO:0011904, OMIM 607745.

gnomAD v4.1: 24 of 1,614,036 alleles (0.0015%); highest among the groups gnomAD compares: South Asian, 0.0011%; no homozygotes.

Submission:

Labcorp Genetics (formerly Invitae), Labcorp
Classification: Uncertain significance for Seizures, benign familial infantile, 3; Developmental and epileptic encephalopathy, 11. Last evaluated: 2024-05-10. Review status: criteria provided, single submitter. Criteria: Invitae Variant Classification Sherloc (09022015). Collection method: clinical testing. Allele origin: germline.
Comment: This sequence change affects codon 1283 of the SCN2A mRNA. It is a 'silent' change, meaning that it does not change the encoded amino acid sequence of the SCN2A protein. It affects a nucleotide within the consensus splice site. This variant is present in population databases (rs752258602, gnomAD 0.02%). This variant has not been reported in the literature in individuals affected with SCN2A-related conditions. Algorithms developed to predict the effect of sequence changes on RNA splicing suggest that this variant is not likely to affect RNA splicing. In summary, the available evidence is currently insufficient to determine the role of this variant in disease. Therefore, it has been classified as a Variant of Uncertain Significance.

NM_001040142.2(SCN2A):c.3849T>C (p.Asp1283=)

Gene: SCN2A (sodium voltage-gated channel alpha subunit 2; plus strand). Cytogenetic location: 2q24.3.
Variant type: single nucleotide variant.
Coding change: c.3849T>C on transcript NM_001040142.2 (MANE Select); coding-DNA position 3849, T replaced by C.
Protein change: p.Asp1283=; no amino-acid change (aspartic acid 1283 retained).
Molecular consequence: synonymous variant.
Genome position (GRCh38, 1-based): chr2:165,370,299, T>C. VCF-style: chr2-165370299-T-C. GRCh37 (hg19) VCF-style: chr2-166226809-T-C.
Other names: c.3849T>C, p.Asp1283= (NM_001040143.2, NM_001371246.1, NM_001371247.1 and 1 more transcripts).
Identifiers: ClinVar variation 3756279 (VCV003756279.2).
Genomic context (GRCh38, chr2:165,370,299, plus strand): 5'-ATATGGTTTTCAAGTGTATTTTACCAATGCCTGGTGCTGGCTAGACTTCCTGATTGTTGA[T>C]GTGAGTATGCTGCACTTTGCTGCTTTATTCATTGGCATATATGTAATAGTTCTAGCAATG-3'
Protein context (NP_001035232.1, residues 1273-1293): AWCWLDFLIV[Asp1283=]VSLVSLTANA